The following is an entry in ClinVar:

NM_000501.4(ELN):c.356G>A (p.Gly119Asp)

Gene: ELN (elastin; plus strand). Cytogenetic location: 7q11.23.
Variant type: single nucleotide variant.
Coding change: c.356G>A on transcript NM_000501.4 (MANE Select); coding-DNA position 356, G replaced by A.
Protein change: p.Gly119Asp; replaces glycine 119 with aspartic acid.
Molecular consequence: missense variant.
Genome position (GRCh38, 1-based): chr7:74,043,014, G>A. VCF-style: chr7-74043014-G-A. GRCh37 (hg19) VCF-style: chr7-73457344-G-A.
Other names: c.326G>A, p.Gly109Asp (NM_001081752.3, NM_001278914.2, NM_001278917.2 and 1 more transcripts); c.356G>A, p.Gly119Asp (NM_001081753.3, NM_001081754.3, NM_001081755.3 and 4 more transcripts); c.320G>A, p.Gly107Asp (NM_001278913.2); short protein forms G109D, G107D, G119D.
Identifiers: ClinVar variation 3651382 (VCV003651382.2).

ClinVar aggregate classification (germline): Uncertain significance (1 of 4 stars; one submission).

Conditions:
Supravalvar aortic stenosis (SVAS). Also called: Supravalvar aortic stenosis, Eisenberg type. Identifiers: Orphanet 3193, MedGen C0003499, MONDO:0008504, OMIM 185500, HP:0004381.

Submission:

Labcorp Genetics (formerly Invitae), Labcorp
Classification: Uncertain significance for Supravalvar aortic stenosis. Last evaluated: 2024-04-27. Review status: criteria provided, single submitter. Criteria: Invitae Variant Classification Sherloc (09022015). Collection method: clinical testing. Allele origin: germline.
Comment: This sequence change replaces glycine, which is neutral and non-polar, with aspartic acid, which is acidic and polar, at codon 119 of the ELN protein (p.Gly119Asp). This variant is not present in population databases (gnomAD no frequency). This variant has not been reported in the literature in individuals affected with ELN-related conditions. Advanced modeling of protein sequence and biophysical properties (such as structural, functional, and spatial information, amino acid conservation, physicochemical variation, residue mobility, and thermodynamic stability) performed at Invitae indicates that this missense variant is not expected to disrupt ELN protein function with a negative predictive value of 80%. In summary, the available evidence is currently insufficient to determine the role of this variant in disease. Therefore, it has been classified as a Variant of Uncertain Significance.